The following is an entry in ClinVar:

ClinVar aggregate classification (germline): Uncertain significance (1 of 4 stars; one submission).

Conditions:
Charcot-Marie-Tooth disease type 2. Also called: Charcot-Marie-Tooth type 2. Identifiers: Orphanet 64746, MedGen C0270914, MONDO:0018993.

gnomAD v4.1: 10 of 1,613,274 alleles (0.00062%); highest among the groups gnomAD compares: Non-Finnish European, 0.00076%; no homozygotes.

Submission:

Labcorp Genetics (formerly Invitae), Labcorp
Classification: Uncertain significance for Charcot-Marie-Tooth disease type 2. Last evaluated: 2024-12-16. Review status: criteria provided, single submitter. Criteria: Invitae Variant Classification Sherloc (09022015). Collection method: clinical testing. Allele origin: germline.
Comment: This sequence change replaces methionine, which is neutral and non-polar, with leucine, which is neutral and non-polar, at codon 220 of the MED25 protein (p.Met220Leu). This variant is not present in population databases (gnomAD no frequency). This variant has not been reported in the literature in individuals affected with MED25-related conditions. ClinVar contains an entry for this variant (Variation ID: 476808). An algorithm developed to predict the effect of missense changes on protein structure and function (PolyPhen-2) suggests that this variant is likely to be disruptive. In summary, the available evidence is currently insufficient to determine the role of this variant in disease. Therefore, it has been classified as a Variant of Uncertain Significance.

NM_030973.4(MED25):c.658A>T (p.Met220Leu)

Gene: MED25 (mediator complex subunit 25; plus strand). Cytogenetic location: 19q13.33.
Variant type: single nucleotide variant.
Coding change: c.658A>T on transcript NM_030973.4 (MANE Select); coding-DNA position 658, A replaced by T.
Protein change: p.Met220Leu; replaces methionine 220 with leucine.
Molecular consequence: missense variant.
Genome position (GRCh38, 1-based): chr19:49,829,918, A>T. VCF-style: chr19-49829918-A-T. GRCh37 (hg19) VCF-style: chr19-50333175-A-T.
Other names: c.658A>T, p.Met220Leu (NM_001378355.1); short protein forms M220L.
Identifiers: ClinVar variation 476808 (VCV000476808.7), dbSNP rs905166588, ClinGen allele CA309515593.